The following is an entry in ClinVar:

ClinVar aggregate classification (germline): Uncertain significance (1 of 4 stars; one submission).

Submission:

GeneDx
Classification: Uncertain significance. Last evaluated: 2025-04-24. Review status: criteria provided, single submitter. Criteria: GeneDx Variant Classification Process June 2021. Collection method: clinical testing. Allele origin: germline. Affected: yes.
Comment: Not observed at significant frequency in large population cohorts (gnomAD); In silico analysis supports that this missense variant has a deleterious effect on protein structure/function; Has not been previously published as pathogenic or benign to our knowledge

NM_145166.4(ZBTB47):c.1939A>G (p.Met647Val)

Gene: ZBTB47 (zinc finger and BTB domain containing 47; plus strand). Cytogenetic location: 3p22.1.
Variant type: single nucleotide variant.
Coding change: c.1939A>G on transcript NM_145166.4 (MANE Select); coding-DNA position 1939, A replaced by G.
Protein change: p.Met647Val; replaces methionine 647 with valine.
Molecular consequence: missense variant.
Genome position (GRCh38, 1-based): chr3:42,664,293, A>G. VCF-style: chr3-42664293-A-G. GRCh37 (hg19) VCF-style: chr3-42705785-A-G.
Other names: c.2023A>G, p.Met675Val (NM_001410746.1); short protein forms M647V, M675V.
Identifiers: ClinVar variation 4527185 (VCV004527185.1).
Genomic context (GRCh38, chr3:42,664,293, plus strand): 5'-CCAGGAGAGAAGCCGTACATCTGCGAGATCTGTGGCAAGAGCTTCACCAGCCGGCCCAAC[A>G]TGAAGCGGCACCGGCGCACGCACACGGGCGAGAAGCCGTACCCGTGCGACGTGTGTGGCC-3'
Protein context (NP_660149.2, residues 637-657): CGKSFTSRPN[Met647Val]KRHRRTHTGE